The following is an entry in ClinVar:

GRCh38/hg38 2q11.1-11.2(chr2:95879602-97285797)x1

Genes: MIR3127 (microRNA 3127; plus strand), NCAPH (non-SMC condensin I complex subunit H; plus strand), NEURL3 (neuralized E3 ubiquitin protein ligase 3; minus strand), SEMA4C (semaphorin 4C; minus strand), SNORA112 (small nucleolar RNA, H/ACA box 112; plus strand) and 123 more. Cytogenetic location: 2q11.1-11.2.
Variant type: copy number loss.
Change: copy number 1 (one copy instead of two) of chr2:95,879,602-97,285,797 (1.41 Mb, GRCh38 coordinates, 1-based), cytogenetic band 2q11.1-11.2.
Identifiers: ClinVar variation 57543 (VCV000057543.1).

ClinVar aggregate classification (germline): Pathogenic (1 of 4 stars; one submission).

Submission:

ISCA site 14
Classification: Pathogenic. Last evaluated: 2011-08-12. Review status: criteria provided, single submitter. Criteria: Kaminsky et al. (Genet Med. 2011). Collection method: clinical testing. Allele origin: maternal. Affected: yes. Observed: 1 variant allele.
Comment: Copy number variation identified through the course of routine clinical cytogenomic testing in postnatal populations. Clinical assertions have been curated as described in Kaminsky et al. 2011.